The following is an entry in ClinVar:

NM_014140.4(SMARCAL1):c.2527T>C (p.Trp843Arg)

Gene: SMARCAL1 (SNF2 related chromatin remodeling annealing helicase 1; plus strand). Cytogenetic location: 2q35.
Variant type: single nucleotide variant.
Coding change: c.2527T>C on transcript NM_014140.4 (MANE Select); coding-DNA position 2527, T replaced by C.
Protein change: p.Trp843Arg; replaces tryptophan 843 with arginine.
Molecular consequence: missense variant.
Genome position (GRCh38, 1-based): chr2:216,477,208, T>C. VCF-style: chr2-216477208-T-C. GRCh37 (hg19) VCF-style: chr2-217341931-T-C.
Other names: c.2527T>C, p.Trp843Arg (NM_001127207.2); short protein forms W843R.
Identifiers: ClinVar variation 1405312 (VCV001405312.6), dbSNP rs1323958612, ClinGen allele CA350504876.

ClinVar aggregate classification (germline): Uncertain significance (1 of 4 stars; one submission).

Conditions:
Schimke immuno-osseous dysplasia (SIOD). Also called: Schimke Immunoosseous Dysplasia. Identifiers: Orphanet 1830, MedGen C0877024, MONDO:0009458, OMIM 242900.

Submission:

Labcorp Genetics (formerly Invitae), Labcorp
Classification: Uncertain significance for Schimke immuno-osseous dysplasia. Last evaluated: 2022-10-05. Review status: criteria provided, single submitter. Criteria: Invitae Variant Classification Sherloc (09022015). Collection method: clinical testing. Allele origin: germline.
Comment: Algorithms developed to predict the effect of missense changes on protein structure and function are either unavailable or do not agree on the potential impact of this missense change (SIFT: "Deleterious"; PolyPhen-2: "Probably Damaging"; Align-GVGD: "Class C0"). In summary, the available evidence is currently insufficient to determine the role of this variant in disease. Therefore, it has been classified as a Variant of Uncertain Significance. ClinVar contains an entry for this variant (Variation ID: 1405312). This variant has not been reported in the literature in individuals affected with SMARCAL1-related conditions. This variant is not present in population databases (gnomAD no frequency). This sequence change replaces tryptophan, which is neutral and slightly polar, with arginine, which is basic and polar, at codon 843 of the SMARCAL1 protein (p.Trp843Arg).